The following is an entry in ClinVar:

ClinVar aggregate classification (germline): Uncertain significance (1 of 4 stars; one submission).

Conditions:
Baller-Gerold syndrome (BGS). Also called: CRANIOSYNOSTOSIS WITH RADIAL DEFECTS. Identifiers: Orphanet 1225, MedGen C0265308, MONDO:0009039, OMIM 218600.

Submission:

Labcorp Genetics (formerly Invitae), Labcorp
Classification: Uncertain significance for Baller-Gerold syndrome. Last evaluated: 2024-09-17. Review status: criteria provided, single submitter. Criteria: Invitae Variant Classification Sherloc (09022015). Collection method: clinical testing. Allele origin: germline.
Comment: This sequence change replaces tryptophan, which is neutral and slightly polar, with serine, which is neutral and polar, at codon 412 of the RECQL4 protein (p.Trp412Ser). This variant is not present in population databases (gnomAD no frequency). This variant has not been reported in the literature in individuals affected with RECQL4-related conditions. Invitae Evidence Modeling of protein sequence and biophysical properties (such as structural, functional, and spatial information, amino acid conservation, physicochemical variation, residue mobility, and thermodynamic stability) has been performed for this missense variant. However, the output from this modeling did not meet the statistical confidence thresholds required to predict the impact of this variant on RECQL4 protein function. In summary, the available evidence is currently insufficient to determine the role of this variant in disease. Therefore, it has been classified as a Variant of Uncertain Significance.

NM_004260.4(RECQL4):c.1235G>C (p.Trp412Ser)

Gene: RECQL4 (RecQ like helicase 4; minus strand). Cytogenetic location: 8q24.3.
Variant type: single nucleotide variant.
Coding change: c.1235G>C on transcript NM_004260.4 (MANE Select); coding-DNA position 1235, G replaced by C.
Protein change: p.Trp412Ser; replaces tryptophan 412 with serine.
Molecular consequence: missense variant. On other transcripts: synonymous variant (5), non-coding transcript variant (3), intron variant (1).
Genome position (GRCh38, 1-based): chr8:144,515,787, C>G on the plus strand (G>C on the coding strand, the complement: RECQL4 is on the minus strand). VCF-style: chr8-144515787-C-G. GRCh37 (hg19) VCF-style: chr8-145741171-C-G.
Other names: c.1139G>C, p.Trp380Ser (NM_001413017.1, NM_001413020.1); c.1235G>C, p.Trp412Ser (NM_001413018.1, NM_001413019.1, NM_001413033.1 and 2 more transcripts); c.164G>C, p.Trp55Ser (NM_001413021.1, NM_001413022.1, NM_001413023.1 and 8 more transcripts); c.1106G>C, p.Trp369Ser (NM_001413025.1); c.102G>C, p.Leu34= (NM_001413027.1, NM_001413030.1, NM_001413031.1 and 2 more transcripts); c.884G>C, p.Trp295Ser (NM_001413029.1); c.-210+201G>C (NM_001413043.1); short protein forms W380S, W55S, W295S, W369S, W412S.
Identifiers: ClinVar variation 3717216 (VCV003717216.2).
Genomic context (GRCh38, chr8:144,515,787, plus strand): 5'-TGTTGGCCGGACCCACCCTCCAGGGCAGATGTCTCACCTGGCCGGGGACACTGGGCTGCC[C>G]AGTGATCGAACTGCTCGTTCAGGAAACAAGACTCCTTGGTTGTGACTGTGGCACCACCAC-3'
Protein context (NP_004251.4, residues 402-422): SCFLNEQFDH[Trp412Ser]AAQCPRPASE